The following is an entry in ClinVar:

NM_020949.3(SLC7A14):c.1769T>A (p.Ile590Asn)

Genes: SLC7A14 (solute carrier family 7 member 14; minus strand), SLC7A14-AS1 (SLC7A14 antisense RNA 1; plus strand). Cytogenetic location: 3q26.2.
Variant type: single nucleotide variant.
Coding change: c.1769T>A on transcript NM_020949.3 (MANE Select); coding-DNA position 1769, T replaced by A.
Protein change: p.Ile590Asn; replaces isoleucine 590 with asparagine.
Molecular consequence: missense variant.
Genome position (GRCh38, 1-based): chr3:170,480,513, A>T on the plus strand (T>A on the coding strand, the complement: SLC7A14 is on the minus strand). VCF-style: chr3-170480513-A-T. GRCh37 (hg19) VCF-style: chr3-170198302-A-T.
Other names: short protein forms I590N.
Identifiers: ClinVar variation 1490411 (VCV001490411.8), dbSNP rs1711774250, ClinGen allele CA355489278.

ClinVar aggregate classification (germline): Uncertain significance (1 of 4 stars; one submission).

Allele frequency attached by ClinVar (database versions not stated): TOPMed below 0.00001.

Submission:

Labcorp Genetics (formerly Invitae), Labcorp
Classification: Uncertain significance. Last evaluated: 2020-12-02. Review status: criteria provided, single submitter. Criteria: Invitae Variant Classification Sherloc (09022015). Collection method: clinical testing. Allele origin: germline.
Comment: This variant is not present in population databases (ExAC no frequency). This sequence change replaces isoleucine with asparagine at codon 590 of the SLC7A14 protein (p.Ile590Asn). The isoleucine residue is moderately conserved and there is a large physicochemical difference between isoleucine and asparagine. Algorithms developed to predict the effect of missense changes on protein structure and function are either unavailable or do not agree on the potential impact of this missense change (SIFT: "Deleterious"; PolyPhen-2: "Benign"; Align-GVGD: "Class C0"). In summary, the available evidence is currently insufficient to determine the role of this variant in disease. Therefore, it has been classified as a Variant of Uncertain Significance. This variant has not been reported in the literature in individuals with SLC7A14-related conditions.